The following is an entry in ClinVar:

ClinVar aggregate classification (germline): Uncertain significance (1 of 4 stars; one submission).

Submission:

GeneDx
Classification: Uncertain significance. Last evaluated: 2019-09-12. Review status: criteria provided, single submitter. Criteria: GeneDx Variant Classification Process June 2021. Collection method: clinical testing. Allele origin: germline. Affected: yes.
Comment: Not observed in large population cohorts (Lek et al., 2016); In silico analysis, which includes protein predictors and evolutionary conservation, supports a deleterious effect; Has not been previously published as pathogenic or benign to our knowledge

NM_001376.5(DYNC1H1):c.8264T>C (p.Met2755Thr)

Gene: DYNC1H1 (dynein cytoplasmic 1 heavy chain 1; plus strand). Cytogenetic location: 14q32.31.
Variant type: single nucleotide variant.
Coding change: c.8264T>C on transcript NM_001376.5 (MANE Select); coding-DNA position 8264, T replaced by C.
Protein change: p.Met2755Thr; replaces methionine 2755 with threonine.
Molecular consequence: missense variant.
Genome position (GRCh38, 1-based): chr14:102,018,537, T>C. VCF-style: chr14-102018537-T-C. GRCh37 (hg19) VCF-style: chr14-102484874-T-C.
Other names: short protein forms M2755T.
Identifiers: ClinVar variation 1303183 (VCV001303183.2), dbSNP rs2152583794, ClinGen allele CA391005549.